The following is an entry in ClinVar:

ClinVar aggregate classification (germline): Uncertain significance (1 of 4 stars; one submission).

Conditions:
Intellectual developmental disorder, autosomal dominant 1. Also called: Intellectual disability, autosomal dominant 1; MBD5 Haploinsufficiency. Identifiers: Orphanet 228402, MedGen C1969562, MONDO:0007974, OMIM 156200.

Allele frequency attached by ClinVar (database versions not stated): TOPMed 0.00001; ESP Exome Variant Server 0.00008; ExAC 0.00002; gnomAD exomes 0.00001.
gnomAD v4.1: 5 of 1,613,438 alleles (0.00031%); highest among the groups gnomAD compares: Non-Finnish European, 0.00042%; no homozygotes.

Submission:

Labcorp Genetics (formerly Invitae), Labcorp
Classification: Uncertain significance for Intellectual developmental disorder, autosomal dominant 1. Last evaluated: 2023-11-20. Review status: criteria provided, single submitter. Criteria: Invitae Variant Classification Sherloc (09022015). Collection method: clinical testing. Allele origin: germline.
Comment: This sequence change falls in intron 13 of the MBD5 gene. It does not directly change the encoded amino acid sequence of the MBD5 protein. It affects a nucleotide within the consensus splice site. This variant is present in population databases (rs372049573, gnomAD 0.003%). This variant has not been reported in the literature in individuals affected with MBD5-related conditions. ClinVar contains an entry for this variant (Variation ID: 1053063). Variants that disrupt the consensus splice site are a relatively common cause of aberrant splicing (PMID: 17576681, 9536098). Algorithms developed to predict the effect of sequence changes on RNA splicing suggest that this variant is not likely to affect RNA splicing. In summary, the available evidence is currently insufficient to determine the role of this variant in disease. Therefore, it has been classified as a Variant of Uncertain Significance.

Literature cited by the submitters: PubMed 17576681; PubMed 9536098.

NM_001378120.1(MBD5):c.5036+6C>T

Gene: MBD5 (methyl-CpG binding domain protein 5; plus strand). Cytogenetic location: 2q23.1.
Variant type: single nucleotide variant.
Coding change: c.5036+6C>T on transcript NM_001378120.1 (MANE Select); 6 bases into the intron after coding-DNA position 5036, C replaced by T.
Molecular consequence: intron variant.
Genome position (GRCh38, 1-based): chr2:148,502,515, C>T. VCF-style: chr2-148502515-C-T. GRCh37 (hg19) VCF-style: chr2-149260084-C-T.
Other names: c.4337+6C>T (NM_018328.5).
Identifiers: ClinVar variation 1053063 (VCV001053063.7), dbSNP rs372049573, ClinGen allele CA1900521.